The following is an entry in ClinVar:

NM_001267550.2(TTN):c.82583G>A (p.Arg27528Gln)

Genes: TTN (titin; minus strand), TTN-AS1 (TTN antisense RNA 1; plus strand). Cytogenetic location: 2q31.2.
Variant type: single nucleotide variant.
Coding change: c.82583G>A on transcript NM_001267550.2 (MANE Select); coding-DNA position 82583, G replaced by A.
Protein change: p.Arg27528Gln; replaces arginine 27528 with glutamine.
Molecular consequence: missense variant.
Genome position (GRCh38, 1-based): chr2:178,563,549, C>T on the plus strand (G>A on the coding strand, the complement: TTN is on the minus strand). VCF-style: chr2-178563549-C-T. GRCh37 (hg19) VCF-style: chr2-179428276-C-T.
Other names: c.77660G>A, p.Arg25887Gln (NM_001256850.1); c.55388G>A, p.Arg18463Gln (NM_003319.4); c.74879G>A, p.Arg24960Gln (NM_133378.4); c.55763G>A, p.Arg18588Gln (NM_133432.3); c.55964G>A, p.Arg18655Gln (NM_133437.4); c.82583G>A (NM_001267550.1); short protein forms R27528Q, R24960Q, R18588Q, R18655Q, R18463Q, R25887Q.
Identifiers: ClinVar variation 577682 (VCV000577682.23), dbSNP rs765230578, ClinGen allele CA1989049.

ClinVar aggregate classification (germline): Uncertain significance. Review status: criteria provided, multiple submitters, no conflicts (2 of 4 stars). 4 submissions from 4 submitters: Uncertain significance (4). Last evaluated 2025-06-04.

Conditions:
Cardiovascular phenotype. Identifiers: MedGen CN230736.
Autosomal recessive limb-girdle muscular dystrophy type 2J (LGMDR10). Also called: Limb-girdle muscular dystrophy, type 2J; MUSCULAR DYSTROPHY, LIMB-GIRDLE, AUTOSOMAL RECESSIVE 10. Identifiers: Orphanet 140922, MedGen C1837342, MONDO:0012127, OMIM 608807.
Dilated cardiomyopathy 1G (CMD1G). Identifiers: Orphanet 154, MedGen C1858763, MONDO:0011400, OMIM 604145.

Allele frequency attached by ClinVar (database versions not stated): ExAC 0.00001; gnomAD exomes 0.00001; gnomAD 0.00002 and 0.00003; TOPMed 0.00003.
gnomAD v4.1: 26 of 1,613,640 alleles (0.0016%); highest among the groups gnomAD compares: East Asian, 0.0022%; no homozygotes.

Submissions (4):

GeneDx
Classification: Uncertain significance. Last evaluated: 2025-06-04. Review status: criteria provided, single submitter. Criteria: GeneDx Variant Classification Process June 2021. Collection method: clinical testing. Allele origin: germline. Affected: yes.
Comment: Not observed at significant frequency in large population cohorts (gnomAD); Missense variant in a gene in which most reported pathogenic variants are truncating/loss-of-function; Has not been previously published as pathogenic or benign to our knowledge; This variant is associated with the following publications: (PMID: 25589632)

Ambry Genetics
Classification: Uncertain significance for Cardiovascular phenotype. Last evaluated: 2020-03-19. Review status: criteria provided, single submitter. Criteria: Ambry Variant Classification Scheme 2023. Collection method: clinical testing. Allele origin: germline.
Comment: The p.R18463Q variant (also known as c.55388G>A), located in coding exon 153 of the TTN gene, results from a G to A substitution at nucleotide position 55388. The arginine at codon 18463 is replaced by glutamine, an amino acid with highly similar properties. This amino acid position is well conserved in available vertebrate species. In addition, this alteration is predicted to be tolerated by in silico analysis. Since supporting evidence is limited at this time, the clinical significance of this alteration remains unclear.

Eurofins Ntd Llc (ga)
Classification: Uncertain significance. Last evaluated: 2018-08-03. Review status: criteria provided, single submitter. Criteria: EGL ClinVar v180209 classification definitions. Collection method: clinical testing. Allele origin: germline. Observed: 1 variant allele, 1 heterozygote.

Labcorp Genetics (formerly Invitae), Labcorp
Classification: Uncertain significance for Dilated cardiomyopathy 1G; Autosomal recessive limb-girdle muscular dystrophy type 2J. Last evaluated: 2018-04-23. Review status: criteria provided, single submitter. Criteria: Invitae Variant Classification Sherloc (09022015). Collection method: clinical testing. Allele origin: germline.
Comment: This sequence change replaces arginine with glutamine at codon 27528 of the TTN protein (p.Arg27528Gln). There is a small physicochemical difference between arginine and glutamine. This variant is present in population databases (rs765230578, ExAC 0.01%). This variant has not been reported in the literature in individuals with TTN-related disease. This variant is located in the A band of TTN (PMID: 25589632). Algorithms developed to predict the effect of sequence changes on RNA splicing suggest that this variant may create or strengthen a splice site, but this prediction has not been confirmed by published transcriptional studies. In summary, the available evidence is currently insufficient to determine the role of this variant in disease. Therefore, it has been classified as a Variant of Uncertain Significance.

Literature cited by the submitters: PubMed 25589632 (cited by Labcorp Genetics (formerly Invitae), Labcorp).